The following is an entry in ClinVar:

ClinVar aggregate classification (germline): Conflicting classifications of pathogenicity. Review status: criteria provided, conflicting classifications (1 of 4 stars). 2 submissions from 2 submitters: Uncertain significance (1); Likely benign (1). Last evaluated 2024-12-20.

Conditions:
Retinoblastoma (RB1). Also called: RETINOBLASTOMA, SOMATIC. Identifiers: Orphanet 790, MedGen C0035335, MeSH D012175, MONDO:0008380, OMIM 180200, HP:0009919. Disease mechanism: loss of function. Inheritance: Both sporadic and heritable forms are tested..
Hereditary cancer-predisposing syndrome. Also called: Tumor predisposition; Hereditary Cancer Syndrome; Hereditary neoplastic syndrome; Neoplastic Syndromes, Hereditary. Identifiers: Orphanet 140162, MedGen C0027672, MeSH D009386, MONDO:0015356.

Submissions (2):

Ambry Genetics
Classification: Uncertain significance for Hereditary cancer-predisposing syndrome. Last evaluated: 2024-12-20. Review status: criteria provided, single submitter. Criteria: Ambry Variant Classification Scheme 2023. Collection method: clinical testing. Allele origin: germline.
Comment: The c.66_68delACC variant (also known as p.P29del) is located in coding exon 1 of the RB1 gene. This variant results from an in-frame ACC deletion at nucleotide positions 66 to 68. This results in the in-frame deletion of a proline at codon 29. This amino acid position is not well conserved in available vertebrate species. In addition, this alteration is predicted to be neutral by in silico analysis (Choi Y et al. PLoS ONE. 2012; 7(10):e46688). Based on the available evidence, the clinical significance of this variant remains unclear.

Labcorp Genetics (formerly Invitae), Labcorp
Classification: Likely benign for Retinoblastoma. Last evaluated: 2024-05-31. Review status: criteria provided, single submitter. Criteria: Invitae Variant Classification Sherloc (09022015). Collection method: clinical testing. Allele origin: germline.

NM_000321.3(RB1):c.66_68del (p.Pro29del)

Gene: RB1 (RB transcriptional corepressor 1; plus strand). Cytogenetic location: 13q14.2.
Variant type: Deletion.
Coding change: c.66_68del on transcript NM_000321.3 (MANE Select); coding-DNA positions 66 to 68, 3 bases deleted (ACC; older notation c.66_68delACC).
Protein change: p.Pro29del; deletes proline 29.
Molecular consequence: inframe deletion.
Genome position (GRCh38, 1-based): chr13:48,303,978-48,303,980, ACC deleted; deleting any 3 consecutive bases within chr13:48,303,977-48,303,980 gives the same sequence; the c. name uses the placement nearest the transcript's 3' end. VCF-style (leftmost placement, unchanged base first): chr13-48303976-GCAC-G. GRCh37 (hg19) VCF-style: chr13-48878112-GCAC-G.
Other names: c.66_68delACC (NM_000321.2); short protein forms P29del.
Identifiers: ClinVar variation 1443242 (VCV001443242.9), dbSNP rs1298675805, ClinGen allele CA609859325.